The following is an entry in ClinVar:

ClinVar aggregate classification (germline): Uncertain significance (1 of 4 stars; one submission).

Conditions:
Cardiovascular phenotype. Identifiers: MedGen CN230736.

Submission:

Ambry Genetics
Classification: Uncertain significance for Cardiovascular phenotype. Last evaluated: 2023-05-01. Review status: criteria provided, single submitter. Criteria: Ambry Variant Classification Scheme 2023. Collection method: clinical testing. Allele origin: germline.
Comment: The p.F330Y variant (also known as c.989T>A), located in coding exon 7 of the LMF1 gene, results from a T to A substitution at nucleotide position 989. The phenylalanine at codon 330 is replaced by tyrosine, an amino acid with highly similar properties. This amino acid position is conserved. In addition, this alteration is predicted to be tolerated by in silico analysis. Since supporting evidence is limited at this time, the clinical significance of this alteration remains unclear.

NM_022773.4(LMF1):c.989T>A (p.Phe330Tyr)

Gene: LMF1 (lipase maturation factor 1; minus strand). Cytogenetic location: 16p13.3.
Variant type: single nucleotide variant.
Coding change: c.989T>A on transcript NM_022773.4 (MANE Select); coding-DNA position 989, T replaced by A.
Protein change: p.Phe330Tyr; replaces phenylalanine 330 with tyrosine.
Molecular consequence: missense variant. On other transcripts: non-coding transcript variant (1).
Genome position (GRCh38, 1-based): chr16:871,250, A>T on the plus strand (T>A on the coding strand, the complement: LMF1 is on the minus strand). VCF-style: chr16-871250-A-T. GRCh37 (hg19) VCF-style: chr16-921250-A-T.
Other names: c.338T>A, p.Phe113Tyr (NM_001352017.2, NM_001352021.2); c.590T>A, p.Phe197Tyr (NM_001352018.2); c.662T>A, p.Phe221Tyr (NM_001352019.2); c.989T>A, p.Phe330Tyr (NM_001352020.1); short protein forms F221Y, F330Y, F113Y, F197Y.
Identifiers: ClinVar variation 2566292 (VCV002566292.2), dbSNP rs2544498580, ClinGen allele CA394127466.